The following is an entry in ClinVar:

ClinVar aggregate classification (germline): Uncertain significance. Review status: criteria provided, multiple submitters, no conflicts (2 of 4 stars). 2 submissions from 2 submitters: Uncertain significance (2). Last evaluated 2021-02-11.

Conditions:
Hereditary nonpolyposis colorectal neoplasms. Identifiers: MedGen C0009405, MeSH D003123.
Hereditary cancer-predisposing syndrome. Also called: Neoplastic Syndromes, Hereditary; Tumor predisposition; Hereditary neoplastic syndrome; Hereditary Cancer Syndrome. Identifiers: Orphanet 140162, MedGen C0027672, MeSH D009386, MONDO:0015356.

Submissions (2):

Labcorp Genetics (formerly Invitae), Labcorp
Classification: Uncertain significance for Hereditary nonpolyposis colorectal neoplasms. Last evaluated: 2021-02-11. Review status: criteria provided, single submitter. Criteria: Invitae Variant Classification Sherloc (09022015). Collection method: clinical testing. Allele origin: germline.
Comment: In summary, the available evidence is currently insufficient to determine the role of this variant in disease. Therefore, it has been classified as a Variant of Uncertain Significance. This variant has not been reported in the literature in individuals with MSH6-related conditions. ClinVar contains an entry for this variant (Variation ID: 824318). This variant is not present in population databases (ExAC no frequency). Advanced modeling of protein sequence and biophysical properties (such as structural, functional, and spatial information, amino acid conservation, physicochemical variation, residue mobility, and thermodynamic stability) performed at Invitae indicates that this missense variant is expected to disrupt MSH6 protein function. This sequence change replaces lysine with isoleucine at codon 1288 of the MSH6 protein (p.Lys1288Ile). The lysine residue is highly conserved and there is a moderate physicochemical difference between lysine and isoleucine.

Ambry Genetics
Classification: Uncertain significance for Hereditary cancer-predisposing syndrome. Last evaluated: 2018-12-24. Review status: criteria provided, single submitter. Criteria: Ambry Variant Classification Scheme 2023. Collection method: clinical testing. Allele origin: germline.
Comment: The p.K1288I variant (also known as c.3863A>T), located in coding exon 9 of the MSH6 gene, results from an A to T substitution at nucleotide position 3863. The lysine at codon 1288 is replaced by isoleucine, an amino acid with dissimilar properties. This amino acid position is highly conserved in available vertebrate species. In addition, this alteration is predicted to be deleterious by in silico analysis. Since supporting evidence is limited at this time, the clinical significance of this alteration remains unclear.

NM_000179.3(MSH6):c.3863A>T (p.Lys1288Ile)

Gene: MSH6 (mutS homolog 6; plus strand). Cytogenetic location: 2p16.3.
Variant type: single nucleotide variant.
Coding change: c.3863A>T on transcript NM_000179.3 (MANE Select); coding-DNA position 3863, A replaced by T.
Protein change: p.Lys1288Ile; replaces lysine 1288 with isoleucine.
Molecular consequence: missense variant.
Genome position (GRCh38, 1-based): chr2:47,806,513, A>T. VCF-style: chr2-47806513-A-T. GRCh37 (hg19) VCF-style: chr2-48033652-A-T.
Other names: c.3473A>T, p.Lys1158Ile (NM_001281492.2); c.2957A>T, p.Lys986Ile (NM_001281493.2, NM_001281494.2); short protein forms K1158I, K986I, K1288I.
Identifiers: ClinVar variation 824318 (VCV000824318.12), dbSNP rs1572746849, ClinGen allele CA346761338.